The following is an entry in ClinVar:

NM_000168.6(GLI3):c.*835G>A

Gene: GLI3 (GLI family zinc finger 3; minus strand). Cytogenetic location: 7p14.1.
Variant type: single nucleotide variant.
Coding change: c.*835G>A on transcript NM_000168.6 (MANE Select); 835 bases downstream of the stop codon, G replaced by A.
Molecular consequence: 3 prime UTR variant.
Genome position (GRCh38, 1-based): chr7:41,963,495, C>T on the plus strand (G>A on the coding strand, the complement: GLI3 is on the minus strand). VCF-style: chr7-41963495-C-T. GRCh37 (hg19) VCF-style: chr7-42003093-C-T.
Identifiers: ClinVar variation 360203 (VCV000360203.5), dbSNP rs73688609, ClinGen allele CA10629199.
Genomic context (GRCh38, chr7:41,963,495, plus strand): 5'-TCTACCATCTATCTAACTTCTTACCAGAACAGATAAAAGTAGCAATGTGGCTGAGTGTCA[C>T]CAACTGTCCGTCCCTTCTCTCTAACTGCAGTGCGAAACAGCACTGAATGTTCATGAAGGT-3'

ClinVar aggregate classification (germline): Benign. Review status: criteria provided, single submitter (1 of 4 stars). 3 submissions from 1 submitter: Benign (3). Last evaluated 2018-01-13.

Conditions:
Pallister-Hall syndrome (PHS). Also called: HYPOTHALAMIC HAMARTOBLASTOMA, HYPOPITUITARISM, IMPERFORATE ANUS, AND POSTAXIAL POLYDACTYLY; GLI3-Related Pallister-Hall Syndrome. Identifiers: Orphanet 672, MedGen C0265220, MONDO:0007804, OMIM 146510.
Greig cephalopolysyndactyly syndrome (GCPS). Also called: POLYSYNDACTYLY WITH PECULIAR SKULL SHAPE; Greig syndrome; GLI3-Related Greig Cephalopolysyndactyly Syndrome. Identifiers: Orphanet 380, MedGen C0265306, MONDO:0008287, OMIM 175700.
Polydactyly. Also called: polydactylism. Identifiers: MedGen C0152427, MONDO:0021003, OMIM 603596, HP:0010442.

Allele frequency attached by ClinVar (database versions not stated): gnomAD 0.00209 and 0.00225; TOPMed 0.00213; 1000 Genomes Project 0.00240; 1000 Genomes Project 30x 0.00265.

Submissions (3):

Illumina Laboratory Services, Illumina
Classification: Benign for Greig cephalopolysyndactyly syndrome. Last evaluated: 2018-01-13. Review status: criteria provided, single submitter. Criteria: ICSL Variant Classification Criteria 13 December 2019. Collection method: clinical testing. Allele origin: germline.
Comment: This variant was observed in the ICSL laboratory as part of a predisposition screen in an ostensibly healthy population. It had not been previously curated by ICSL or reported in the Human Gene Mutation Database (HGMD: prior to June 1st, 2018), and was therefore a candidate for classification through an automated scoring system. Utilizing variant allele frequency, disease prevalence and penetrance estimates, and inheritance mode, an automated score was calculated to assess if this variant is too frequent to cause the disease. Based on the score and internal cut-off values, a variant classified as benign is not then subjected to further curation. The score for this variant resulted in a classification of benign for this disease.

Illumina Laboratory Services, Illumina
Classification: Benign for Pallister-Hall syndrome. Last evaluated: 2018-01-13. Review status: criteria provided, single submitter. Criteria: ICSL Variant Classification Criteria 13 December 2019. Collection method: clinical testing. Allele origin: germline.
Comment: the same text as in the submission from Illumina Laboratory Services, Illumina above.

Illumina Laboratory Services, Illumina
Classification: Benign for Polydactyly. Last evaluated: 2018-01-13. Review status: criteria provided, single submitter. Criteria: ICSL Variant Classification Criteria 13 December 2019. Collection method: clinical testing. Allele origin: germline.
Comment: the same text as in the submission from Illumina Laboratory Services, Illumina above.